The following is an entry in ClinVar:

NM_000093.5(COL5A1):c.4302C>T (p.Pro1434=)

Gene: COL5A1 (collagen type V alpha 1 chain; plus strand). Cytogenetic location: 9q34.3.
Variant type: single nucleotide variant.
Coding change: c.4302C>T on transcript NM_000093.5 (MANE Select); coding-DNA position 4302, C replaced by T.
Protein change: p.Pro1434=; no amino-acid change (proline 1434 retained).
Molecular consequence: synonymous variant.
Genome position (GRCh38, 1-based): chr9:134,818,727, C>T. VCF-style: chr9-134818727-C-T. GRCh37 (hg19) VCF-style: chr9-137710573-C-T.
Other names: c.4302C>T, p.Pro1434= (NM_001278074.1).
Identifiers: ClinVar variation 439534 (VCV000439534.50), dbSNP rs755495352, ClinGen allele CA5320233.
Genomic context (GRCh38, chr9:134,818,727, plus strand): 5'-CTTGGAAGGCCCTCCTGGGAAGACTGGCCCCATCGGCCCCCAGGGGGCCCCTGGGAAGCC[C>T]GGACCGGATGGCCTTCGAGGGATCCCTGGCCCTGTGGTGAGTAGGCTGTGAGGGGCAGAG-3'
Protein context (NP_000084.3, residues 1424-1444): PIGPQGAPGK[Pro1434=]GPDGLRGIPG

ClinVar aggregate classification (germline): Likely benign. Review status: criteria provided, multiple submitters, no conflicts (2 of 4 stars). 8 submissions from 8 submitters: Likely benign (8). Last evaluated 2026-01-26.

Conditions:
Familial thoracic aortic aneurysm and aortic dissection (TAAD). Also called: Thoracic aortic aneurysms and dissections. Identifiers: Orphanet 91387, MedGen C4707243, MONDO:0019625.
Ehlers-Danlos syndrome, classic type, 1 (EDSCL1). Also called: EDS I; Ehlers-Danlos Syndrome, Classic Type, COL5A1-Related; Ehlers-Danlos syndrome, type 1; EHLERS-DANLOS SYNDROME, GRAVIS TYPE; EHLERS-DANLOS SYNDROME, SEVERE CLASSIC TYPE. Identifiers: MedGen C0268335, MONDO:0019567, OMIM 130000.
Ehlers-Danlos syndrome (EDS). Identifiers: Orphanet 98249, MedGen C0013720, MONDO:0020066.

Allele frequency attached by ClinVar (database versions not stated): gnomAD 0.00001; ExAC 0.00003; gnomAD exomes 0.00003 and 0.00004; TOPMed 0.00003.

Submissions (8):

Labcorp Genetics (formerly Invitae), Labcorp
Classification: Likely benign for Ehlers-Danlos syndrome, classic type, 1. Last evaluated: 2026-01-26. Review status: criteria provided, single submitter. Criteria: Invitae Variant Classification Sherloc (09022015). Collection method: clinical testing. Allele origin: germline.

Women's Health and Genetics/Laboratory Corporation of America, LabCorp
Classification: Likely benign. Last evaluated: 2026-01-05. Review status: criteria provided, single submitter. Criteria: LabCorp Variant Classification Summary - May 2015. Collection method: clinical testing. Allele origin: germline.

Blueprint Genetics
Classification: Likely benign. Last evaluated: 2024-05-08. Review status: criteria provided, single submitter. Criteria: ACMG Guidelines, 2015. Collection method: clinical testing. Allele origin: germline.

CeGaT Center for Human Genetics Tuebingen
Classification: Likely benign. Last evaluated: 2024-01-01. Review status: criteria provided, single submitter. Criteria: CeGaT Center For Human Genetics Tuebingen Variant Classification Criteria Version 2. Collection method: clinical testing. Allele origin: germline. Affected: yes. Observed: 1 variant allele.
Comment: COL5A1: BP4, BP7

Genome Diagnostics Laboratory, The Hospital for Sick Children
Classification: Likely benign for Ehlers-Danlos syndrome. Last evaluated: 2022-02-17. Review status: criteria provided, single submitter. Criteria: ACMG Guidelines, 2015. Collection method: clinical testing. Allele origin: germline.

GeneDx
Classification: Likely benign. Last evaluated: 2020-02-10. Review status: criteria provided, single submitter. Criteria: GeneDx Variant Classification Process June 2021. Collection method: clinical testing. Allele origin: germline. Affected: yes.

Ambry Genetics
Classification: Likely benign for Familial thoracic aortic aneurysm and aortic dissection. Last evaluated: 2017-09-22. Review status: criteria provided, single submitter. Criteria: Ambry Variant Classification Scheme 2023. Collection method: clinical testing. Allele origin: germline.

ARUP Laboratories, Molecular Genetics and Genomics, ARUP Laboratories
Classification: Likely benign. Last evaluated: 2017-02-24. Review status: criteria provided, single submitter. Criteria: ARUP Molecular Germline Variant Investigation Process. Collection method: clinical testing. Allele origin: germline.